The following is an entry in ClinVar:

ClinVar aggregate classification (germline): Uncertain significance (1 of 4 stars; one submission).

Submission:

Labcorp Genetics (formerly Invitae), Labcorp
Classification: Uncertain significance. Last evaluated: 2024-11-18. Review status: criteria provided, single submitter. Criteria: Invitae Variant Classification Sherloc (09022015). Collection method: clinical testing. Allele origin: germline.
Comment: This sequence change replaces serine, which is neutral and polar, with cysteine, which is neutral and slightly polar, at codon 296 of the REN protein (p.Ser296Cys). This variant is not present in population databases (gnomAD no frequency). This variant has not been reported in the literature in individuals affected with REN-related conditions. ClinVar contains an entry for this variant (Variation ID: 2728005). Invitae Evidence Modeling of protein sequence and biophysical properties (such as structural, functional, and spatial information, amino acid conservation, physicochemical variation, residue mobility, and thermodynamic stability) indicates that this missense variant is expected to disrupt REN protein function with a positive predictive value of 80%. In summary, the available evidence is currently insufficient to determine the role of this variant in disease. Therefore, it has been classified as a Variant of Uncertain Significance.

NM_000537.4(REN):c.887C>G (p.Ser296Cys)

Gene: REN (renin; minus strand). Cytogenetic location: 1q32.1.
Variant type: single nucleotide variant.
Coding change: c.887C>G on transcript NM_000537.4 (MANE Select); coding-DNA position 887, C replaced by G.
Protein change: p.Ser296Cys; replaces serine 296 with cysteine.
Molecular consequence: missense variant.
Genome position (GRCh38, 1-based): chr1:204,156,251, G>C on the plus strand (C>G on the coding strand, the complement: REN is on the minus strand). VCF-style: chr1-204156251-G-C. GRCh37 (hg19) VCF-style: chr1-204125379-G-C.
Other names: short protein forms S296C.
Identifiers: ClinVar variation 2728005 (VCV002728005.3), dbSNP rs2527481293, ClinGen allele CA344333622.